The following is an entry in ClinVar:

NM_001034853.2(RPGR):c.2417A>G (p.Glu806Gly)

Gene: RPGR (retinitis pigmentosa GTPase regulator; minus strand). Cytogenetic location: Xp11.4.
Variant type: single nucleotide variant.
Coding change: c.2417A>G on transcript NM_001034853.2 (MANE Select); coding-DNA position 2417, A replaced by G.
Protein change: p.Glu806Gly; replaces glutamic acid 806 with glycine.
Molecular consequence: missense variant. On other transcripts: intron variant (8).
Genome position (GRCh38, 1-based): chrX:38,286,582, T>C on the plus strand (A>G on the coding strand, the complement: RPGR is on the minus strand). VCF-style: chrX-38286582-T-C. GRCh37 (hg19) VCF-style: chrX-38145835-T-C.
Other names: c.1569+4377A>G (NM_001367249.1, NM_001367250.1); c.1902+512A>G (NM_001367245.1); c.1386+4377A>G (NM_001367251.1); c.1719+512A>G (NM_001367246.1); c.1572+4377A>G (NM_001367247.1); c.1905+512A>G (NM_000328.3); c.1602+4377A>G (NM_001367248.1); short protein forms E806G.
Identifiers: ClinVar variation 866213 (VCV000866213.9), dbSNP rs1364555173, ClinGen allele CA412730691.
Genomic context (GRCh38, chrX:38,286,582, plus strand): 5'-CTCTCTCCTTTCCCCTCCTCTACTTCCCCTCCCTCTACTTCCCCTCCCTCCTCTTTTTCC[T>C]CCCCTCTCCCCTCTGTTTCCTCCTCTTCCCCCTCTCCTTGGTCTCCTTCTTCCTCTCCTT-3'
Protein context (NP_001030025.1, residues 796-816): GEEEETEGRG[Glu806Gly]EKEEGGEVEG

ClinVar aggregate classification (germline): Uncertain significance. Review status: criteria provided, multiple submitters, no conflicts (2 of 4 stars). 4 submissions from 3 submitters: Uncertain significance (3). 1 of the submissions does not count toward it. Last evaluated 2025-11-06.

Conditions:
Primary ciliary dyskinesia. Also called: Ciliary dyskinesia. Identifiers: Orphanet 244, MedGen C0008780, MONDO:0016575, HP:0012265.
RPGR-related disorder. Also called: RPGR-related condition.
Retinal dystrophy. Also called: Inherited retinal dystrophy. Identifiers: Orphanet 71862, MedGen C0854723, MeSH D058499, MONDO:0019118, HP:0000556.
Retinitis pigmentosa 3. Also called: CHOROIDORETINAL DEGENERATION WITH RETINAL REFLEX IN HETEROZYGOUS WOMEN. Identifiers: Orphanet 791, MedGen C1845667, MONDO:0010227, OMIM 300029.

Allele frequency attached by ClinVar (database versions not stated): gnomAD exomes 0.00001 and 0.00005.

Submissions (4):

PreventionGenetics, part of Exact Sciences
Classification: Uncertain significance for RPGR-related condition. Last evaluated: 2025-11-06. Review status: criteria provided, single submitter. Criteria: ACMG Guidelines, 2015. Collection method: clinical testing. Allele origin: germline.
Comment: The RPGR c.2417A>G variant is predicted to result in the amino acid substitution p.Glu806Gly. To our knowledge, this variant has not been reported in the literature. This variant is reported in 0.0028% of alleles in individuals of European (non-Finnish) descent in gnomAD, including several hemizygous individuals in the latest dataset. Although we suspect that this variant may be benign, at this time, the clinical significance of this variant is uncertain due to the absence of conclusive functional and genetic evidence.

Labcorp Genetics (formerly Invitae), Labcorp
Classification: Uncertain significance for Primary ciliary dyskinesia. Last evaluated: 2022-10-05. Review status: criteria provided, single submitter. Criteria: Invitae Variant Classification Sherloc (09022015). Collection method: clinical testing. Allele origin: germline.
Comment: In summary, the available evidence is currently insufficient to determine the role of this variant in disease. Therefore, it has been classified as a Variant of Uncertain Significance. Advanced modeling of protein sequence and biophysical properties (such as structural, functional, and spatial information, amino acid conservation, physicochemical variation, residue mobility, and thermodynamic stability) performed at Invitae indicates that this missense variant is not expected to disrupt RPGR (ORF15) protein function. ClinVar contains an entry for this variant (Variation ID: 866213). This variant has not been reported in the literature in individuals affected with RPGR (ORF15)-related conditions. This variant is present in population databases (no rsID available, gnomAD 0.003%). This sequence change replaces glutamic acid, which is acidic and polar, with glycine, which is neutral and non-polar, at codon 806 of the RPGR (ORF15) protein (p.Glu806Gly).

Blueprint Genetics
Classification: Uncertain significance for Retinal dystrophy. Last evaluated: 2018-10-31. Review status: criteria provided, single submitter. Criteria: Blueprint Genetics Variant Classification Scheme. Collection method: clinical testing. Allele origin: germline. Affected: yes.

Blueprint Genetics
Classification: Uncertain significance for Retinitis pigmentosa 3. Review status: no assertion criteria provided. Collection method: clinical testing. Allele origin: germline. Affected: yes. Not counted in ClinVar's aggregate classification.